The following is an entry in ClinVar:

NM_020376.4(PNPLA2):c.1457C>A (p.Pro486His)

Gene: PNPLA2 (patatin like domain 2, triacylglycerol lipase; plus strand). Cytogenetic location: 11p15.5.
Variant type: single nucleotide variant.
Coding change: c.1457C>A on transcript NM_020376.4 (MANE Select); coding-DNA position 1457, C replaced by A.
Protein change: p.Pro486His; replaces proline 486 with histidine.
Molecular consequence: missense variant.
Genome position (GRCh38, 1-based): chr11:824,804, C>A. VCF-style: chr11-824804-C-A. GRCh37 (hg19) VCF-style: chr11-824804-C-A.
Other names: c.1457C>A (NM_020376.3); short protein forms P486H.
Identifiers: ClinVar variation 1518506 (VCV001518506.12), dbSNP rs1274843840, ClinGen allele CA378985711.

ClinVar aggregate classification (germline): Uncertain significance. Review status: criteria provided, multiple submitters, no conflicts (2 of 4 stars). 3 submissions from 3 submitters: Uncertain significance (3). Last evaluated 2023-02-15.

Conditions:
Inborn genetic diseases. Identifiers: MedGen C0950123, MeSH D030342.
Neutral lipid storage myopathy (NLSDM). Also called: NEUTRAL LIPID STORAGE DISEASE WITHOUT ICHTHYOSIS. Identifiers: Orphanet 98908, MedGen C1853136, MONDO:0012545, OMIM 610717.

Allele frequency attached by ClinVar (database versions not stated): TOPMed below 0.00001.
gnomAD v4.1: 28 of 1,534,482 alleles (0.0018%); highest among the groups gnomAD compares: Non-Finnish European, 0.0023%; no homozygotes.

Submissions (3):

Ambry Genetics
Classification: Uncertain significance for Inborn genetic diseases. Last evaluated: 2023-02-15. Review status: criteria provided, single submitter. Criteria: Ambry Variant Classification Scheme 2023. Collection method: clinical testing. Allele origin: germline.

Labcorp Genetics (formerly Invitae), Labcorp
Classification: Uncertain significance for Neutral lipid storage myopathy. Last evaluated: 2022-07-11. Review status: criteria provided, single submitter. Criteria: Invitae Variant Classification Sherloc (09022015). Collection method: clinical testing. Allele origin: germline.
Comment: Algorithms developed to predict the effect of missense changes on protein structure and function (SIFT, PolyPhen-2, Align-GVGD) all suggest that this variant is likely to be tolerated. In summary, the available evidence is currently insufficient to determine the role of this variant in disease. Therefore, it has been classified as a Variant of Uncertain Significance. ClinVar contains an entry for this variant (Variation ID: 1518506). This variant has not been reported in the literature in individuals affected with PNPLA2-related conditions. The frequency data for this variant in the population databases is considered unreliable, as metrics indicate poor data quality at this position in the gnomAD database. This sequence change replaces proline, which is neutral and non-polar, with histidine, which is basic and polar, at codon 486 of the PNPLA2 protein (p.Pro486His).

Revvity Omics, Revvity
Classification: Uncertain significance for Neutral lipid storage myopathy. Last evaluated: 2022-05-03. Review status: criteria provided, single submitter. Criteria: ACMG Guidelines, 2015. Collection method: clinical testing. Allele origin: germline.